The following is an entry in ClinVar:

ClinVar aggregate classification (germline): Uncertain significance (1 of 4 stars; one submission).

Allele frequency attached by ClinVar (database versions not stated): gnomAD exomes below 0.00001.
gnomAD v4.1: 1 of 1,614,218 alleles (0.000062%); highest among the groups gnomAD compares: African/African-American, 0.0013%; no homozygotes.

Submission:

GeneDx
Classification: Uncertain significance. Last evaluated: 2025-05-29. Review status: criteria provided, single submitter. Criteria: GeneDx Variant Classification Process June 2021. Collection method: clinical testing. Allele origin: germline. Affected: yes.
Comment: In silico analysis supports that this missense variant has a deleterious effect on protein structure/function; Has not been previously published as pathogenic or benign to our knowledge

NM_001145358.2(SIN3A):c.1994A>G (p.His665Arg)

Gene: SIN3A (SIN3 transcription regulator family member A; minus strand). Cytogenetic location: 15q24.2.
Variant type: single nucleotide variant.
Coding change: c.1994A>G on transcript NM_001145358.2 (MANE Select); coding-DNA position 1994, A replaced by G.
Protein change: p.His665Arg; replaces histidine 665 with arginine.
Molecular consequence: missense variant.
Genome position (GRCh38, 1-based): chr15:75,396,357, T>C on the plus strand (A>G on the coding strand, the complement: SIN3A is on the minus strand). VCF-style: chr15-75396357-T-C. GRCh37 (hg19) VCF-style: chr15-75688698-T-C.
Other names: c.1994A>G, p.His665Arg (NM_001145357.2, NM_015477.3); short protein forms H665R.
Identifiers: ClinVar variation 1695850 (VCV001695850.3), dbSNP rs1239927585, ClinGen allele CA393495299.
Genomic context (GRCh38, chr15:75,396,357, plus strand): 5'-CTCAGACCATCAATGATGTCAGCTGCTTTATCAGCATATATCCTCTGGAGTGCTTTTCTA[T>C]GGATGACTTCTGATGTGCCCCCAAGGGTGTTGTCCAAGCGAAATTTGGCTTGTTCTTCAG-3'
Protein context (NP_001138830.1, residues 655-675): NTLGGTSEVI[His665Arg]RKALQRIYAD